The following is an entry in ClinVar:

NM_014846.4(WASHC5):c.1223G>A (p.Arg408Lys)

Gene: WASHC5 (WASH complex subunit 5; minus strand). Cytogenetic location: 8q24.13.
Variant type: single nucleotide variant.
Coding change: c.1223G>A on transcript NM_014846.4 (MANE Select); coding-DNA position 1223, G replaced by A.
Protein change: p.Arg408Lys; replaces arginine 408 with lysine.
Molecular consequence: missense variant.
Genome position (GRCh38, 1-based): chr8:125,067,647, C>T on the plus strand (G>A on the coding strand, the complement: WASHC5 is on the minus strand). VCF-style: chr8-125067647-C-T. GRCh37 (hg19) VCF-style: chr8-126079889-C-T.
Other names: c.779G>A, p.Arg260Lys (NM_001330609.2); short protein forms R260K, R408K.
Identifiers: ClinVar variation 4874150 (VCV004874150.2).
Genomic context (GRCh38, chr8:125,067,647, plus strand): 5'-TTTACCTCTTTGAGTATAAACTCAAATTGTGCAGTATCTAACAGCAGCTGGAAGAGGATC[C>T]TGGGATTGTACCGAGAGTCTGTTAGAATCTGGTCCTTGATTTGACGAAGGCGTTTGTTGT-3'
Protein context (NP_055661.3, residues 398-418): QILTDSRYNP[Arg408Lys]ILFQLLLDTA

ClinVar aggregate classification (germline): Uncertain significance (1 of 4 stars; one submission).

Submission:

CeGaT Center for Human Genetics Tuebingen
Classification: Uncertain significance. Last evaluated: 2026-06-01. Review status: criteria provided, single submitter. Criteria: CeGaT Center For Human Genetics Tuebingen Variant Classification Criteria Version 2. Collection method: clinical testing. Allele origin: germline. Affected: yes. Observed: 1 variant allele.
Comment: WASHC5: PM2, BP4